The following is an entry in ClinVar:

NM_005859.5(PURA):c.25G>T (p.Glu9Ter)

Gene: PURA (purine rich element binding protein A; plus strand). Cytogenetic location: 5q31.3.
Variant type: single nucleotide variant.
Coding change: c.25G>T on transcript NM_005859.5 (MANE Select); coding-DNA position 25, G replaced by T.
Protein change: p.Glu9Ter; replaces glutamic acid 9 with a stop codon.
Molecular consequence: nonsense.
Genome position (GRCh38, 1-based): chr5:140,114,206, G>T. VCF-style: chr5-140114206-G-T. GRCh37 (hg19) VCF-style: chr5-139493791-G-T.
Other names: short protein forms E9*.
Identifiers: ClinVar variation 2418936 (VCV002418936.8), dbSNP rs2479503553, ClinGen allele CA361489058.
Genomic context (GRCh38, chr5:140,114,206, plus strand): 5'-GCAGGCGGCGGCGGCGCGGCAGCGGAGCGCAGCATCATGGCGGACCGAGACAGCGGCAGC[G>T]AGCAGGGTGGTGCGGCGCTGGGTTCGGGCGGCTCCCTGGGGCACCCCGGCTCGGGCTCAG-3'

ClinVar aggregate classification (germline): Pathogenic (1 of 4 stars; one submission).

Conditions:
PURA-related severe neonatal hypotonia-seizures-encephalopathy syndrome (NEDRIHF). Also called: NEURODEVELOPMENTAL DISORDER WITH NEONATAL RESPIRATORY INSUFFICIENCY, HYPOTONIA, AND FEEDING DIFFICULTIES; PURA-Related Neurodevelopmental Disorders. Identifiers: Orphanet 438213, Orphanet 438216, MedGen C4015357, MONDO:1060108, OMIM 616158, MONDO:0018580.

Submission:

Labcorp Genetics (formerly Invitae), Labcorp
Classification: Pathogenic for PURA-related severe neonatal hypotonia-seizures-encephalopathy syndrome. Last evaluated: 2022-06-15. Review status: criteria provided, single submitter. Criteria: Invitae Variant Classification Sherloc (09022015). Collection method: clinical testing. Allele origin: germline.
Comment: For these reasons, this variant has been classified as Pathogenic. This variant disrupts a region of the PURA protein in which other variant(s) (p.Tyr261*) have been determined to be pathogenic (PMID: 25439098). This suggests that this is a clinically significant region of the protein, and that variants that disrupt it are likely to be disease-causing. This premature translational stop signal has been observed in individual(s) with PURA syndrome (PMID: 29097605). In at least one individual the variant was observed to be de novo. The frequency data for this variant in the population databases is considered unreliable, as metrics indicate insufficient coverage at this position in the gnomAD database. This sequence change creates a premature translational stop signal (p.Glu9*) in the PURA gene. While this is not anticipated to result in nonsense mediated decay, it is expected to disrupt the last 314 amino acid(s) of the PURA protein.

Literature cited by the submitters: PubMed 25439098; PubMed 29097605.